The following is an entry in ClinVar:

NM_001292063.2(OTOG):c.45G>A (p.Trp15Ter)

Gene: OTOG (otogelin; plus strand). Cytogenetic location: 11p15.1.
Variant type: single nucleotide variant.
Coding change: c.45G>A on transcript NM_001292063.2 (MANE Select); coding-DNA position 45, G replaced by A.
Protein change: p.Trp15Ter; replaces tryptophan 15 with a stop codon.
Molecular consequence: nonsense.
Genome position (GRCh38, 1-based): chr11:17,547,417, G>A. VCF-style: chr11-17547417-G-A. GRCh37 (hg19) VCF-style: chr11-17568964-G-A.
Other names: c.45G>A, p.Trp15Ter (NM_001277269.2); short protein forms W15*.
Identifiers: ClinVar variation 3769804 (VCV003769804.1).

ClinVar aggregate classification (germline): Likely pathogenic (1 of 4 stars; one submission).

gnomAD v4.1: 2 of 1,418,670 alleles (0.00014%); highest among the groups gnomAD compares: African/African-American, 0.003%; no homozygotes.

Submission:

GeneDx
Classification: Likely pathogenic. Last evaluated: 2024-09-11. Review status: criteria provided, single submitter. Criteria: GeneDx Variant Classification Process June 2021. Collection method: clinical testing. Allele origin: germline. Affected: yes.
Comment: Nonsense variant predicted to result in protein truncation or nonsense mediated decay in a gene for which loss of function is a known mechanism of disease; Not observed in large population cohorts (gnomAD); Has not been previously published as pathogenic or benign to our knowledge